The following is an entry in ClinVar:

NM_003504.5(CDC45):c.470G>A (p.Arg157His)

Gene: CDC45 (cell division cycle 45; plus strand). Cytogenetic location: 22q11.21.
Variant type: single nucleotide variant.
Coding change: c.470G>A on transcript NM_003504.5 (MANE Select); coding-DNA position 470, G replaced by A.
Protein change: p.Arg157His; replaces arginine 157 with histidine.
Molecular consequence: missense variant. On other transcripts: non-coding transcript variant (1).
Genome position (GRCh38, 1-based): chr22:19,483,989, G>A. VCF-style: chr22-19483989-G-A. GRCh37 (hg19) VCF-style: chr22-19471512-G-A.
Other names: c.470G>A, p.Arg157His (NM_001178010.2); c.332G>A, p.Arg111His (NM_001178011.2); c.434G>A, p.Arg145His (NM_001369291.1); c.470G>A (NM_001178010.1); short protein forms R145H, R157H, R111H.
Identifiers: ClinVar variation 1895658 (VCV001895658.8), dbSNP rs957839823, ClinGen allele CA322096066.

ClinVar aggregate classification (germline): Uncertain significance. Review status: criteria provided, multiple submitters, no conflicts (2 of 4 stars). 3 submissions from 3 submitters: Uncertain significance (3). Last evaluated 2024-03-04.

Conditions:
Inborn genetic diseases. Identifiers: MedGen C0950123, MeSH D030342.

Allele frequency attached by ClinVar (database versions not stated): gnomAD exomes 0.00001; TOPMed 0.00001.

Submissions (3):

Blueprint Genetics
Classification: Uncertain significance. Last evaluated: 2024-03-04. Review status: criteria provided, single submitter. Criteria: ACMG Guidelines, 2015. Collection method: clinical testing. Allele origin: germline.

Labcorp Genetics (formerly Invitae), Labcorp
Classification: Uncertain significance. Last evaluated: 2023-12-11. Review status: criteria provided, single submitter. Criteria: Invitae Variant Classification Sherloc (09022015). Collection method: clinical testing. Allele origin: germline.
Comment: This sequence change replaces arginine, which is basic and polar, with histidine, which is basic and polar, at codon 157 of the CDC45 protein (p.Arg157His). This variant is present in population databases (no rsID available, gnomAD 0.01%). This variant has not been reported in the literature in individuals affected with CDC45-related conditions. ClinVar contains an entry for this variant (Variation ID: 1895658). An algorithm developed to predict the effect of missense changes on protein structure and function (PolyPhen-2) suggests that this variant is likely to be disruptive. In summary, the available evidence is currently insufficient to determine the role of this variant in disease. Therefore, it has been classified as a Variant of Uncertain Significance.

Ambry Genetics
Classification: Uncertain significance for Inborn genetic diseases. Last evaluated: 2023-06-07. Review status: criteria provided, single submitter. Criteria: Ambry Variant Classification Scheme 2023. Collection method: clinical testing. Allele origin: germline.